The following is an entry in ClinVar:

ClinVar aggregate classification (germline): Uncertain significance (1 of 4 stars; one submission).

Conditions:
Early-infantile DEE. Also called: Early infantile epileptic encephalopathy with suppression bursts; Early infantile epileptic encephalopathy; Ohtahara syndrome. Identifiers: Orphanet 1934, MedGen C0393706, MONDO:0800491.

Submission:

Labcorp Genetics (formerly Invitae), Labcorp
Classification: Uncertain significance for Early-infantile DEE. Last evaluated: 2025-12-20. Review status: criteria provided, single submitter. Criteria: Invitae Variant Classification Sherloc (09022015). Collection method: clinical testing. Allele origin: germline.
Comment: This sequence change replaces leucine, which is neutral and non-polar, with proline, which is neutral and non-polar, at codon 327 of the SCN1A protein (p.Leu327Pro). This variant is not present in population databases (gnomAD no frequency). This variant has not been reported in the literature in individuals affected with SCN1A-related conditions. Invitae Evidence Modeling of protein sequence and biophysical properties (such as structural, functional, and spatial information, amino acid conservation, physicochemical variation, residue mobility, and thermodynamic stability) indicates that this missense variant is expected to disrupt SCN1A protein function with a positive predictive value of 95%. In summary, the available evidence is currently insufficient to determine the role of this variant in disease. Therefore, it has been classified as a Variant of Uncertain Significance.

NM_001165963.4(SCN1A):c.980T>C (p.Leu327Pro)

Gene: SCN1A (sodium voltage-gated channel alpha subunit 1; minus strand). Cytogenetic location: 2q24.3.
Variant type: single nucleotide variant.
Coding change: c.980T>C on transcript NM_001165963.4 (MANE Select); coding-DNA position 980, T replaced by C.
Protein change: p.Leu327Pro; replaces leucine 327 with proline.
Molecular consequence: missense variant. On other transcripts: 5 prime UTR variant (1), non-coding transcript variant (1).
Genome position (GRCh38, 1-based): chr2:166,048,934, A>G on the plus strand (T>C on the coding strand, the complement: SCN1A is on the minus strand). VCF-style: chr2-166048934-A-G. GRCh37 (hg19) VCF-style: chr2-166905444-A-G.
Other names: c.980T>C, p.Leu327Pro (NM_001165964.3, NM_001202435.3, NM_001353948.2 and 10 more transcripts); c.-1446T>C (NM_001353961.2); short protein forms L327P.
Identifiers: ClinVar variation 4800294 (VCV004800294.1).